The following is an entry in ClinVar:

NM_176824.3(BBS7):c.286A>C (p.Arg96=)

Gene: BBS7 (Bardet-Biedl syndrome 7; minus strand). Cytogenetic location: 4q27.
Variant type: single nucleotide variant.
Coding change: c.286A>C on transcript NM_176824.3 (MANE Select); coding-DNA position 286, A replaced by C.
Protein change: p.Arg96=; no amino-acid change (arginine 96 retained).
Molecular consequence: synonymous variant.
Genome position (GRCh38, 1-based): chr4:121,861,559, T>G on the plus strand (A>C on the coding strand, the complement: BBS7 is on the minus strand). VCF-style: chr4-121861559-T-G. GRCh37 (hg19) VCF-style: chr4-122782714-T-G.
Other names: c.286A>C, p.Arg96= (NM_018190.4).
Identifiers: ClinVar variation 699712 (VCV000699712.10), dbSNP rs754438760, ClinGen allele CA3064546.

ClinVar aggregate classification (germline): Likely benign. Review status: criteria provided, single submitter (1 of 4 stars). 2 submissions from 2 submitters: Likely benign (1). 1 of the submissions does not count toward it. Last evaluated 2023-10-11.

Conditions:
BBS7-related disorder. Also called: BBS7-related condition.
Bardet-Biedl syndrome (BBS). Identifiers: Orphanet 110, MedGen C0752166, MONDO:0015229.

Allele frequency attached by ClinVar (database versions not stated): ExAC 0.00001; gnomAD 0.00001.
gnomAD v4.1: 3 of 1,613,778 alleles (0.00019%); highest among the groups gnomAD compares: Admixed American, 0.0033%; no homozygotes.

Submissions (2):

Labcorp Genetics (formerly Invitae), Labcorp
Classification: Likely benign for Bardet-Biedl syndrome. Last evaluated: 2023-10-11. Review status: criteria provided, single submitter. Criteria: Invitae Variant Classification Sherloc (09022015). Collection method: clinical testing. Allele origin: germline.

PreventionGenetics, part of Exact Sciences
Classification: Likely benign for BBS7-related condition. Last evaluated: 2024-02-28. Review status: no assertion criteria provided. Collection method: clinical testing. Allele origin: germline. Not counted in ClinVar's aggregate classification.
Comment: This variant is classified as likely benign based on ACMG/AMP sequence variant interpretation guidelines (Richards et al. 2015 PMID: 25741868, with internal and published modifications).